The following is an entry in ClinVar:

ClinVar aggregate classification (germline): Uncertain significance (1 of 4 stars; one submission).

Allele frequency attached by ClinVar (database versions not stated): gnomAD 0.00001 and 0.00002; TOPMed 0.00001; gnomAD exomes 0.00002; ExAC 0.00006; 1000 Genomes Project 30x 0.00016.
gnomAD v4.1: 29 of 1,611,222 alleles (0.0018%); highest among the groups gnomAD compares: Non-Finnish European, 0.0025%; no homozygotes.

Submission:

Labcorp Genetics (formerly Invitae), Labcorp
Classification: Uncertain significance. Last evaluated: 2022-06-05. Review status: criteria provided, single submitter. Criteria: Invitae Variant Classification Sherloc (09022015). Collection method: clinical testing. Allele origin: germline.
Comment: Algorithms developed to predict the effect of missense changes on protein structure and function are either unavailable or do not agree on the potential impact of this missense change (SIFT: "Deleterious"; PolyPhen-2: "Benign"; Align-GVGD: "Class C0"). In summary, the available evidence is currently insufficient to determine the role of this variant in disease. Therefore, it has been classified as a Variant of Uncertain Significance. Algorithms developed to predict the effect of sequence changes on RNA splicing suggest that this variant may create or strengthen a splice site. ClinVar contains an entry for this variant (Variation ID: 1425430). This variant has not been reported in the literature in individuals affected with LAMA1-related conditions. This variant is present in population databases (rs776974906, gnomAD 0.005%). This sequence change replaces glycine, which is neutral and non-polar, with arginine, which is basic and polar, at codon 1154 of the LAMA1 protein (p.Gly1154Arg).

NM_005559.4(LAMA1):c.3460G>A (p.Gly1154Arg)

Gene: LAMA1 (laminin subunit alpha 1; minus strand). Cytogenetic location: 18p11.31.
Variant type: single nucleotide variant.
Coding change: c.3460G>A on transcript NM_005559.4 (MANE Select); coding-DNA position 3460, G replaced by A.
Protein change: p.Gly1154Arg; replaces glycine 1154 with arginine.
Molecular consequence: missense variant.
Genome position (GRCh38, 1-based): chr18:7,012,042, C>T on the plus strand (G>A on the coding strand, the complement: LAMA1 is on the minus strand). VCF-style: chr18-7012042-C-T. GRCh37 (hg19) VCF-style: chr18-7012041-C-T.
Other names: short protein forms G1154R.
Identifiers: ClinVar variation 1425430 (VCV001425430.7), dbSNP rs776974906, ClinGen allele CA8882281.